The following is an entry in ClinVar:

ClinVar aggregate classification (germline): Likely pathogenic (1 of 4 stars; one submission).

Submission:

Labcorp Genetics (formerly Invitae), Labcorp
Classification: Likely pathogenic. Last evaluated: 2024-01-15. Review status: criteria provided, single submitter. Criteria: Invitae Variant Classification Sherloc (09022015). Collection method: clinical testing. Allele origin: germline.
Comment: This sequence change affects an acceptor splice site in intron 34 of the LRPPRC gene. It is expected to disrupt RNA splicing. Variants that disrupt the donor or acceptor splice site typically lead to a loss of protein function (PMID: 16199547), and loss-of-function variants in LRPPRC are known to be pathogenic (PMID: 26510951). This variant is not present in population databases (gnomAD no frequency). This variant has not been reported in the literature in individuals affected with LRPPRC-related conditions. Algorithms developed to predict the effect of sequence changes on RNA splicing suggest that this variant may disrupt the consensus splice site. In summary, the currently available evidence indicates that the variant is pathogenic, but additional data are needed to prove that conclusively. Therefore, this variant has been classified as Likely Pathogenic.

Literature cited by the submitters: PubMed 16199547; PubMed 26510951.

NM_133259.4(LRPPRC):c.3826-2A>G

Gene: LRPPRC (leucine rich pentatricopeptide repeat containing; minus strand). Cytogenetic location: 2p21.
Variant type: single nucleotide variant.
Coding change: c.3826-2A>G on transcript NM_133259.4 (MANE Select); the canonical splice acceptor site of the intron before coding-DNA position 3826, A replaced by G.
Molecular consequence: splice acceptor variant.
Genome position (GRCh38, 1-based): chr2:43,896,710, T>C on the plus strand (A>G on the coding strand, the complement: LRPPRC is on the minus strand). VCF-style: chr2-43896710-T-C. GRCh37 (hg19) VCF-style: chr2-44123849-T-C.
Identifiers: ClinVar variation 2858832 (VCV002858832.3), dbSNP rs2466364178, ClinGen allele CA346675602.
Genomic context (GRCh38, chr2:43,896,710, plus strand): 5'-GAATTCCTAAGGAGGAACAACAACAAAATCGGGGTTTGTTCAGCAATTGCACCACATCTC[T>C]AAAAATTAAAACATTATTCAGTAAGTGAAGGTTTCTGATAAACAAGTGGATCAAACTGAA-3'